The following is an entry in ClinVar:

NM_014633.5(CTR9):c.1931C>G (p.Ala644Gly)

Gene: CTR9 (CTR9 component of Paf1/RNA polymerase II complex; plus strand). Cytogenetic location: 11p15.4.
Variant type: single nucleotide variant.
Coding change: c.1931C>G on transcript NM_014633.5 (MANE Select); coding-DNA position 1931, C replaced by G.
Protein change: p.Ala644Gly; replaces alanine 644 with glycine.
Molecular consequence: missense variant.
Genome position (GRCh38, 1-based): chr11:10,768,132, C>G. VCF-style: chr11-10768132-C-G. GRCh37 (hg19) VCF-style: chr11-10789679-C-G.
Other names: c.1931C>G, p.Ala644Gly (NM_001346279.2); c.1931C>G (NM_014633.3); short protein forms A644G.
Identifiers: ClinVar variation 1044559 (VCV001044559.9), dbSNP rs77866426, ClinGen allele CA379673976.
Genomic context (GRCh38, chr11:10,768,132, plus strand): 5'-AGGAAAAGCGTCATCAAGATCGTGCTCTGGCCATCTACAAACAAGTACTCAGAAATGATG[C>G]AAAGAATCTGTATGCTGCCAATGGCATAGGTGATTATAAGACTTGAGTACCCATAACAAT-3'
Protein context (NP_055448.1, residues 634-654): AIYKQVLRND[Ala644Gly]KNLYAANGIG

ClinVar aggregate classification (germline): Uncertain significance. Review status: criteria provided, multiple submitters, no conflicts (2 of 4 stars). 2 submissions from 2 submitters: Uncertain significance (2). Last evaluated 2025-09-09.

Conditions:
Inborn genetic diseases. Identifiers: MedGen C0950123, MeSH D030342.

Allele frequency attached by ClinVar (database versions not stated): gnomAD exomes below 0.00001.
gnomAD v4.1: 1 of 1,613,934 alleles (0.000062%); highest among the groups gnomAD compares: South Asian, 0.0011%; no homozygotes.

Submissions (2):

Ambry Genetics
Classification: Uncertain significance for Inborn genetic diseases. Last evaluated: 2025-09-09. Review status: criteria provided, single submitter. Criteria: Ambry Variant Classification Scheme 2023. Collection method: clinical testing. Allele origin: germline.

Labcorp Genetics (formerly Invitae), Labcorp
Classification: Uncertain significance. Last evaluated: 2020-07-12. Review status: criteria provided, single submitter. Criteria: Invitae Variant Classification Sherloc (09022015). Collection method: clinical testing. Allele origin: germline.
Comment: This sequence change replaces alanine with glycine at codon 644 of the CTR9 protein (p.Ala644Gly). The alanine residue is weakly conserved and there is a small physicochemical difference between alanine and glycine. This variant is not present in population databases (ExAC no frequency). This variant has not been reported in the literature in individuals with CTR9-related conditions. Algorithms developed to predict the effect of missense changes on protein structure and function (SIFT, PolyPhen-2, Align-GVGD) all suggest that this variant is likely to be tolerated, but these predictions have not been confirmed by published functional studies and their clinical significance is uncertain. In summary, the available evidence is currently insufficient to determine the role of this variant in disease. Therefore, it has been classified as a Variant of Uncertain Significance.